The following is an entry in ClinVar:

ClinVar aggregate classification (germline): Uncertain significance. Review status: criteria provided, multiple submitters, no conflicts (2 of 4 stars). 2 submissions from 2 submitters: Uncertain significance (2). Last evaluated 2023-12-18.

Allele frequency attached by ClinVar (database versions not stated): TOPMed 0.00001.
gnomAD v4.1: 9 of 1,611,602 alleles (0.00056%); highest among the groups gnomAD compares: Non-Finnish European, 0.00076%; no homozygotes.

Submissions (2):

Blueprint Genetics
Classification: Uncertain significance. Last evaluated: 2023-12-18. Review status: criteria provided, single submitter. Criteria: ACMG Guidelines, 2015. Collection method: clinical testing. Allele origin: germline.

Labcorp Genetics (formerly Invitae), Labcorp
Classification: Uncertain significance. Last evaluated: 2022-09-27. Review status: criteria provided, single submitter. Criteria: Invitae Variant Classification Sherloc (09022015). Collection method: clinical testing. Allele origin: germline.
Comment: This sequence change replaces tyrosine, which is neutral and polar, with cysteine, which is neutral and slightly polar, at codon 6 of the PCDH15 protein (p.Tyr6Cys). This variant is present in population databases (no rsID available, gnomAD 0.002%). This variant has not been reported in the literature in individuals affected with PCDH15-related conditions. ClinVar contains an entry for this variant (Variation ID: 966715). Algorithms developed to predict the effect of missense changes on protein structure and function output the following: SIFT: "Tolerated"; PolyPhen-2: "Benign"; Align-GVGD: "Class C0". The cysteine amino acid residue is found in multiple mammalian species, which suggests that this missense change does not adversely affect protein function. In summary, the available evidence is currently insufficient to determine the role of this variant in disease. Therefore, it has been classified as a Variant of Uncertain Significance.

NM_001384140.1(PCDH15):c.17A>G (p.Tyr6Cys)

Gene: PCDH15 (protocadherin related 15; minus strand). Cytogenetic location: 10q21.1.
Variant type: single nucleotide variant.
Coding change: c.17A>G on transcript NM_001384140.1 (MANE Select); coding-DNA position 17, A replaced by G.
Protein change: p.Tyr6Cys; replaces tyrosine 6 with cysteine.
Molecular consequence: missense variant.
Genome position (GRCh38, 1-based): chr10:54,664,246, T>C on the plus strand (A>G on the coding strand, the complement: PCDH15 is on the minus strand). VCF-style: chr10-54664246-T-C. GRCh37 (hg19) VCF-style: chr10-56424006-T-C.
Other names: c.17A>G, p.Tyr6Cys (NM_001142763.2, NM_001142764.2, NM_001142765.2 and 14 more transcripts); short protein forms Y6C.
Identifiers: ClinVar variation 966715 (VCV000966715.7), dbSNP rs751253853, ClinGen allele CA376542016.
Genomic context (GRCh38, chr10:54,664,246, plus strand): 5'-CCCAAGCAGATTTCAAAGAGAGAGCCCAGGATGATCCCTGAAGCTAAACATGTCCAGAGA[T>C]AAAACTGTCGAAACATCTTCTGTCAAAGTTCACTCAAAGCTGATCTGAAATAAGAAAAGG-3'
Protein context (NP_001371069.1, residues 1-16): MFRQF[Tyr6Cys]LWTCLASGII